The following is an entry in ClinVar:

NM_000053.4(ATP7B):c.3243+2T>C

Gene: ATP7B (ATPase copper transporting beta; minus strand). Cytogenetic location: 13q14.3.
Variant type: single nucleotide variant.
Coding change: c.3243+2T>C on transcript NM_000053.4 (MANE Select); the canonical splice donor site of the intron after coding-DNA position 3243, T replaced by C.
Molecular consequence: splice donor variant. On other transcripts: intron variant (1).
Genome position (GRCh38, 1-based): chr13:51,944,107, A>G on the plus strand (T>C on the coding strand, the complement: ATP7B is on the minus strand). VCF-style: chr13-51944107-A-G. GRCh37 (hg19) VCF-style: chr13-52518243-A-G.
Other names: c.2757+2T>C (NM_001406541.1, NM_001406542.1); c.2991+2T>C (NM_001406531.1, NM_001406532.1, NM_001330579.2); c.3009+2T>C (NM_001406527.1, NM_001406528.1, NM_001406538.1 and 1 more transcripts); c.2904+2T>C (NM_001406537.1); c.3099+2T>C (NM_001406521.1, NM_001406522.1, NM_001406520.1); c.3237+2T>C (NM_001406513.1); c.3243+2T>C (NM_001406511.1, NM_001406512.1, NM_001406526.1); c.2895+2T>C (NM_001406543.1); and 19 more.
Identifiers: ClinVar variation 659418 (VCV000659418.14), dbSNP rs1593671769, ClinGen allele CA388029740.
Genomic context (GRCh38, chr13:51,944,107, plus strand): 5'-GACATGGTGAGGAATAAAAGAGCATTGGCGGGGAGGGCAGGGCCACGCCCAAGTCCACGT[A>G]CCTCTTTACAGTATTTGGTGACTGCCACGCCCAAGGGGTGTTCACTGCTGGCCTCCGCAG-3'

ClinVar aggregate classification (germline): Pathogenic/Likely pathogenic. Review status: criteria provided, multiple submitters, no conflicts (2 of 4 stars). 5 submissions from 5 submitters: Pathogenic (1); Likely pathogenic (4). Last evaluated 2025-01-27.

Conditions:
ATP7B-related disorder. Also called: ATP7B-related condition.
Wilson disease (WND). Also called: Wilson's disease. Identifiers: Orphanet 905, MedGen C0019202, MONDO:0010200, OMIM 277900. Disease mechanism: loss of function.

Allele frequency attached by ClinVar (database versions not stated): gnomAD exomes below 0.00001.
gnomAD v4.1: 1 of 1,614,012 alleles (0.000062%); highest among the groups gnomAD compares: Non-Finnish European, 0.000085%; no homozygotes.

Submissions (5):

Labcorp Genetics (formerly Invitae), Labcorp
Classification: Pathogenic for Wilson disease. Last evaluated: 2025-01-27. Review status: criteria provided, single submitter. Criteria: Invitae Variant Classification Sherloc (09022015). Collection method: clinical testing. Allele origin: germline.
Comment: This sequence change affects a donor splice site in intron 14 of the ATP7B gene. It is expected to disrupt RNA splicing. Variants that disrupt the donor or acceptor splice site typically lead to a loss of protein function (PMID: 16199547), and loss-of-function variants in ATP7B are known to be pathogenic (PMID: 10441329, 16283883). This variant is not present in population databases (gnomAD no frequency). Disruption of this splice site has been observed in individual(s) with Wilson disease (internal data). In at least one individual the data is consistent with being in trans (on the opposite chromosome) from a pathogenic variant. ClinVar contains an entry for this variant (Variation ID: 659418). Algorithms developed to predict the effect of sequence changes on RNA splicing suggest that this variant may disrupt the consensus splice site. For these reasons, this variant has been classified as Pathogenic.

All of Us Research Program, National Institutes of Health
Classification: Likely pathogenic for Wilson disease. Last evaluated: 2024-07-29. Review status: criteria provided, single submitter. Criteria: ACMG Guidelines, 2015. Collection method: clinical testing. Allele origin: germline. Inheritance: Autosomal recessive inheritance. Observed: 2 variant alleles, 2 heterozygotes.
Comment: This variant causes a T>C nucleotide substitution at the +2 position of intron 14 of the ATP7B gene. Splice site prediction tools suggest that this variant may have a significant impact on RNA splicing. Although this prediction has not been confirmed in published RNA studies, this variant is expected to result in an absent or disrupted protein product. This variant has not been reported in individuals affected with ATP7B-related disorders in the literature. This variant has not been identified in the general population by the Genome Aggregation Database (gnomAD). Based on the available evidence, this variant is classified as Likely Pathogenic.

This study involves interpretation of variants in research participants for the purpose of population health screening. Participant phenotype was not available at the time of variant classification. Additional details can be found in publication PMID: 35346344, PMCID: PMC8962531

Mayo Clinic Laboratories, Mayo Clinic
Classification: Likely pathogenic. Last evaluated: 2023-12-11. Review status: criteria provided, single submitter. Criteria: ACMG Guidelines, 2015. Collection method: clinical testing. Allele origin: germline. Observed: 1 variant allele.
Comment: PM2_moderate, PM3_supporting, PVS1_strong

ARUP Laboratories, Molecular Genetics and Genomics, ARUP Laboratories
Classification: Likely pathogenic for Wilson disease. Last evaluated: 2023-09-21. Review status: criteria provided, single submitter. Criteria: ARUP Molecular Germline Variant Investigation Process 2024. Collection method: clinical testing. Allele origin: germline.
Comment: The ATP7B c.3243+2T>C variant (rs1593671769), to our knowledge, is not reported in the medical literature but is reported in ClinVar (Variation ID: 659418). This variant is absent from the Genome Aggregation Database, indicating it is not a common polymorphism. This variant disrupts the canonical splice donor site of intron 14, which is likely to negatively impact gene function. Based on available information, this variant is considered to be likely pathogenic.

Blueprint Genetics
Classification: Likely pathogenic for ATP7B-related disorders. Last evaluated: 2021-12-21. Review status: criteria provided, single submitter. Criteria: ACMG Guidelines, 2015. Collection method: clinical testing. Allele origin: germline. Affected: yes. Observed: 1 variant allele.

Literature cited by the submitters: PubMed 16199547 (cited by Labcorp Genetics (formerly Invitae), Labcorp); PubMed 10441329 (cited by Labcorp Genetics (formerly Invitae), Labcorp); PubMed 16283883 (cited by Labcorp Genetics (formerly Invitae), Labcorp).